The following is an entry in ClinVar:

ClinVar aggregate classification (germline): Uncertain significance (1 of 4 stars; one submission).

Allele frequency attached by ClinVar (database versions not stated): gnomAD exomes below 0.00001; TOPMed 0.00001.
gnomAD v4.1: 3 of 1,585,376 alleles (0.00019%); highest among the groups gnomAD compares: Admixed American, 0.0017%; no homozygotes.

Submission:

Labcorp Genetics (formerly Invitae), Labcorp
Classification: Uncertain significance. Last evaluated: 2025-04-11. Review status: criteria provided, single submitter. Criteria: Invitae Variant Classification Sherloc (09022015). Collection method: clinical testing. Allele origin: germline.
Comment: This sequence change replaces arginine, which is basic and polar, with glycine, which is neutral and non-polar, at codon 469 of the SCAF4 protein (p.Arg469Gly). This variant is present in population databases (no rsID available, gnomAD no frequency). This variant has not been reported in the literature in individuals affected with SCAF4-related conditions. ClinVar contains an entry for this variant (Variation ID: 2175322). An algorithm developed to predict the effect of missense changes on protein structure and function (PolyPhen-2) suggests that this variant is likely to be tolerated. In summary, the available evidence is currently insufficient to determine the role of this variant in disease. Therefore, it has been classified as a Variant of Uncertain Significance.

NM_020706.2(SCAF4):c.1405A>G (p.Arg469Gly)

Gene: SCAF4 (SR-related CTD associated factor 4; minus strand). Cytogenetic location: 21q22.11.
Variant type: single nucleotide variant.
Coding change: c.1405A>G on transcript NM_020706.2 (MANE Select); coding-DNA position 1405, A replaced by G.
Protein change: p.Arg469Gly; replaces arginine 469 with glycine.
Molecular consequence: missense variant.
Genome position (GRCh38, 1-based): chr21:31,693,402, T>C on the plus strand (A>G on the coding strand, the complement: SCAF4 is on the minus strand). VCF-style: chr21-31693402-T-C. GRCh37 (hg19) VCF-style: chr21-33065715-T-C.
Other names: c.1360A>G, p.Arg454Gly (NM_001145444.1); c.1405A>G, p.Arg469Gly (NM_001145445.1); short protein forms R454G, R469G.
Identifiers: ClinVar variation 2175322 (VCV002175322.4), dbSNP rs1357752049, ClinGen allele CA410047573.
Genomic context (GRCh38, chr21:31,693,402, plus strand): 5'-CTCTCTCTTTTTCTCGATCCCGTCTTTCTTGAGATCGAGATCGGGGAGAATGTCGGCGTC[T>C]ATCCCTGGACCGAGATCGAGAACGTCGATGCCGAGACCTTCGAGATCTAGAACCAGATCT-3'
Protein context (NP_065757.1, residues 459-479): HRRSRSRSRD[Arg469Gly]RRHSPRSRSQ